The following is an entry in ClinVar:

NM_021815.5(SLC5A7):c.1414A>G (p.Ile472Val)

Gene: SLC5A7 (solute carrier family 5 member 7; plus strand). Cytogenetic location: 2q12.3.
Variant type: single nucleotide variant.
Coding change: c.1414A>G on transcript NM_021815.5 (MANE Select); coding-DNA position 1414, A replaced by G.
Protein change: p.Ile472Val; replaces isoleucine 472 with valine.
Molecular consequence: missense variant.
Genome position (GRCh38, 1-based): chr2:108,010,532, A>G. VCF-style: chr2-108010532-A-G. GRCh37 (hg19) VCF-style: chr2-108626988-A-G.
Other names: c.1414A>G, p.Ile472Val (NM_001305005.3); c.1099A>G, p.Ile367Val (NM_001305006.3); c.673A>G, p.Ile225Val (NM_001305007.3); short protein forms I225V, I367V, I472V.
Identifiers: ClinVar variation 838607 (VCV000838607.8), dbSNP rs1248009607, ClinGen allele CA348114521.

ClinVar aggregate classification (germline): Uncertain significance. Review status: criteria provided, multiple submitters, no conflicts (2 of 4 stars). 2 submissions from 2 submitters: Uncertain significance (2). Last evaluated 2025-09-28.

Conditions:
Inborn genetic diseases. Identifiers: MedGen C0950123, MeSH D030342.
Congenital myasthenic syndrome 20. Also called: Myasthenic syndrome, congenital, 20, presynaptic. Identifiers: MedGen C4310694, MONDO:0014939, OMIM 617143.
Neuronopathy, distal hereditary motor, type 7A. Also called: HARPER-YOUNG MYOPATHY; HMN VIIA; SPINAL MUSCULAR ATROPHY, DISTAL, WITH VOCAL CORD PARALYSIS; NEURONOPATHY, DISTAL HEREDITARY MOTOR, HARDING TYPE VIIA; NEUROPATHY, DISTAL HEREDITARY MOTOR, HARDING TYPE VIIA; Neuronopathy, distal hereditary motor, autosomal dominant 7. Identifiers: Orphanet 139589, MedGen C1834703, MONDO:0008024, OMIM 158580.

Allele frequency attached by ClinVar (database versions not stated): gnomAD 0.00001; TOPMed 0.00001.
gnomAD v4.1: 2 of 1,613,658 alleles (0.00012%); highest among the groups gnomAD compares: African/African-American, 0.0027%; no homozygotes.

Submissions (2):

Ambry Genetics
Classification: Uncertain significance for Inborn genetic diseases. Last evaluated: 2025-09-28. Review status: criteria provided, single submitter. Criteria: Ambry Variant Classification Scheme 2023. Collection method: clinical testing. Allele origin: germline.

Labcorp Genetics (formerly Invitae), Labcorp
Classification: Uncertain significance for Neuronopathy, distal hereditary motor, type 7A; Congenital myasthenic syndrome 20. Last evaluated: 2019-03-03. Review status: criteria provided, single submitter. Criteria: Invitae Variant Classification Sherloc (09022015). Collection method: clinical testing. Allele origin: germline.
Comment: In summary, the available evidence is currently insufficient to determine the role of this variant in disease. Therefore, it has been classified as a Variant of Uncertain Significance. Algorithms developed to predict the effect of missense changes on protein structure and function output the following: SIFT: "Tolerated"; PolyPhen-2: "Benign"; Align-GVGD: "Class C0". The valine amino acid residue is found in multiple mammalian species, suggesting that this missense change does not adversely affect protein function. These predictions have not been confirmed by published functional studies and their clinical significance is uncertain. This variant has not been reported in the literature in individuals with SLC5A7-related conditions. This variant is not present in population databases (ExAC no frequency). This sequence change replaces isoleucine with valine at codon 472 of the SLC5A7 protein (p.Ile472Val). The isoleucine residue is moderately conserved and there is a small physicochemical difference between isoleucine and valine.